The following is an entry in ClinVar:

ClinVar aggregate classification (germline): Uncertain significance (1 of 4 stars; one submission).

Conditions:
Sandhoff disease. Also called: GM2-GANGLIOSIDOSIS, TYPE II; HEXOSAMINIDASES A AND B DEFICIENCY; Beta-hexosaminidase-beta-subunit deficiency; GM2 gangliosidosis, type 2; Total hexosaminidase deficiency; Sandhoff-Jatzkewitz-Pilz disease. Identifiers: Orphanet 796, MedGen C0036161, MONDO:0010006, OMIM 268800.

gnomAD v4.1: 1 of 1,613,412 alleles (0.000062%); highest among the groups gnomAD compares: Non-Finnish European, 0.000085%; no homozygotes.

Submission:

Juno Genomics, Hangzhou Juno Genomics, Inc
Classification: Uncertain significance for Sandhoff disease. Review status: criteria provided, single submitter. Criteria: ACMG Guidelines, 2015. Collection method: clinical testing. Allele origin: germline.
Comment: Absent from controls (or at extremely low frequency if recessive) in Genome Aggregation Database.;Multiple lines of computational evidence support a deleterious effect on the gene or gene product.

NM_000521.4(HEXB):c.1600T>A (p.Cys534Ser)

Gene: HEXB (hexosaminidase subunit beta; plus strand). Cytogenetic location: 5q13.3.
Variant type: single nucleotide variant.
Coding change: c.1600T>A on transcript NM_000521.4 (MANE Select); coding-DNA position 1600, T replaced by A.
Protein change: p.Cys534Ser; replaces cysteine 534 with serine.
Molecular consequence: missense variant.
Genome position (GRCh38, 1-based): chr5:74,720,734, T>A. VCF-style: chr5-74720734-T-A. GRCh37 (hg19) VCF-style: chr5-74016559-T-A.
Other names: c.925T>A, p.Cys309Ser (NM_001292004.2); short protein forms C309S, C534S.
Identifiers: ClinVar variation 5019973 (VCV005019973.2).